The following is an entry in ClinVar:

ClinVar aggregate classification (germline): Conflicting classifications of pathogenicity. Review status: criteria provided, conflicting classifications (1 of 4 stars). 5 submissions from 5 submitters: Uncertain significance (1); Benign (1); Likely benign (3). Last evaluated 2025-08-18.

Conditions:
Mismatch repair cancer syndrome 4. Identifiers: MedGen C5436817, MONDO:0030843, OMIM 619101.
Lynch syndrome 4 (LYNCH4). Also called: Colorectal cancer, hereditary nonpolyposis, type 4; Hereditary non-polyposis colorectal cancer, type 4. Identifiers: Orphanet 144, MedGen C1838333, MONDO:0013699, OMIM 614337. Disease mechanism: loss of function.
Hereditary nonpolyposis colorectal neoplasms. Identifiers: MedGen C0009405, MeSH D003123.
Hereditary cancer-predisposing syndrome. Also called: Neoplastic Syndromes, Hereditary; Tumor predisposition; Hereditary Cancer Syndrome; Hereditary neoplastic syndrome. Identifiers: Orphanet 140162, MedGen C0027672, MeSH D009386, MONDO:0015356.

Submissions (5):

Labcorp Genetics (formerly Invitae), Labcorp
Classification: Likely benign for Hereditary nonpolyposis colorectal neoplasms. Last evaluated: 2025-08-18. Review status: criteria provided, single submitter. Criteria: Invitae Variant Classification Sherloc (09022015). Collection method: clinical testing. Allele origin: germline.

Color Diagnostics, LLC DBA Color Health
Classification: Likely benign for Hereditary cancer-predisposing syndrome. Last evaluated: 2025-06-09. Review status: criteria provided, single submitter. Criteria: ACMG Guidelines, 2015. Collection method: clinical testing. Allele origin: germline.

Myriad Genetics, Inc.
Classification: Benign for Lynch syndrome 4. Last evaluated: 2025-02-04. Review status: criteria provided, single submitter. Criteria: Myriad Autosomal Dominant, Autosomal Recessive and X-Linked Classification Criteria (2023). Collection method: clinical testing. Allele origin: unknown.
Comment: This variant is considered benign. This variant is a silent/synonymous amino acid change and it is not expected to impact splicing.

Department of Pathology and Laboratory Medicine, Sinai Health System
Classification: Uncertain significance for Lynch syndrome 4; Mismatch repair cancer syndrome 4. Last evaluated: 2023-03-14. Review status: criteria provided, single submitter. Criteria: ACMG Guidelines, 2015. Collection method: clinical testing. Allele origin: germline. Affected: yes.

Ambry Genetics
Classification: Likely benign for Hereditary cancer-predisposing syndrome. Last evaluated: 2014-10-27. Review status: criteria provided, single submitter. Criteria: Ambry Variant Classification Scheme 2023. Collection method: clinical testing. Allele origin: germline.

NM_000535.7(PMS2):c.2457G>T (p.Gly819=)

Gene: PMS2 (PMS1 homolog 2, mismatch repair system component; minus strand). Cytogenetic location: 7p22.1.
Variant type: single nucleotide variant.
Coding change: c.2457G>T on transcript NM_000535.7 (MANE Select); coding-DNA position 2457, G replaced by T.
Protein change: p.Gly819=; no amino-acid change (glycine 819 retained).
Molecular consequence: synonymous variant. On other transcripts: non-coding transcript variant (1).
Genome position (GRCh38, 1-based): chr7:5,973,531, C>A on the plus strand (G>T on the coding strand, the complement: PMS2 is on the minus strand). VCF-style: chr7-5973531-C-A. GRCh37 (hg19) VCF-style: chr7-6013162-C-A.
Other names: c.2052G>T, p.Gly684= (NM_001322003.2, NM_001322004.2, NM_001322005.2); c.2301G>T, p.Gly767= (NM_001322006.2); c.2139G>T, p.Gly713= (NM_001322007.2, NM_001322008.2); c.2085G>T, p.Gly695= (NM_001322009.2); c.1896G>T, p.Gly632= (NM_001322010.2); c.1524G>T, p.Gly508= (NM_001322011.2, NM_001322012.2); c.1884G>T, p.Gly628= (NM_001322013.2); c.2490G>T, p.Gly830= (NM_001322014.2); and 1 more.
Identifiers: ClinVar variation 186908 (VCV000186908.18), dbSNP rs786203315, ClinGen allele CA011535.